The following is an entry in ClinVar:

NM_005499.3(UBA2):c.1013A>G (p.Asp338Gly)

Gene: UBA2 (ubiquitin like modifier activating enzyme 2; plus strand). Cytogenetic location: 19q13.11.
Variant type: single nucleotide variant.
Coding change: c.1013A>G on transcript NM_005499.3 (MANE Select); coding-DNA position 1013, A replaced by G.
Protein change: p.Asp338Gly; replaces aspartic acid 338 with glycine.
Molecular consequence: missense variant.
Genome position (GRCh38, 1-based): chr19:34,452,122, A>G. VCF-style: chr19-34452122-A-G. GRCh37 (hg19) VCF-style: chr19-34943027-A-G.
Other names: c.725A>G, p.Asp242Gly (NM_001411139.1); short protein forms D242G, D338G.
Identifiers: ClinVar variation 3343350 (VCV003343350.1).

ClinVar aggregate classification (germline): Uncertain significance (1 of 4 stars; one submission).

Submission:

GeneDx
Classification: Uncertain significance. Last evaluated: 2023-05-05. Review status: criteria provided, single submitter. Criteria: GeneDx Variant Classification Process June 2021. Collection method: clinical testing. Allele origin: germline. Affected: yes.
Comment: Not observed at significant frequency in large population cohorts (gnomAD); In silico analysis supports that this missense variant has a deleterious effect on protein structure/function; Has not been previously published as pathogenic or benign to our knowledge